The following is an entry in ClinVar:

NC_000006.11:g.(?_123851631)_(123868537_?)del

Gene: TRDN (triadin; minus strand). Cytogenetic location: 6q22.31.
Variant type: Deletion.
Identifiers: ClinVar variation 2425496 (VCV002425496.4).

ClinVar aggregate classification (germline): Uncertain significance (1 of 4 stars; one submission).

Conditions:
Catecholaminergic polymorphic ventricular tachycardia 1. Also called: VENTRICULAR TACHYCARDIA, CATECHOLAMINERGIC POLYMORPHIC, 1, WITH OR WITHOUT ATRIAL DYSFUNCTION AND/OR DILATED CARDIOMYOPATHY; RYR2-Related Catecholaminergic Polymorphic Ventricular Tachycardia; VENTRICULAR TACHYCARDIA, STRESS-INDUCED POLYMORPHIC 1. Identifiers: Orphanet 3286, MedGen C1631597, MONDO:0011484, OMIM 604772.

Submission:

Labcorp Genetics (formerly Invitae), Labcorp
Classification: Uncertain significance for Catecholaminergic polymorphic ventricular tachycardia 1. Last evaluated: 2023-09-11. Review status: criteria provided, single submitter. Criteria: Invitae Variant Classification Sherloc (09022015). Collection method: clinical testing. Allele origin: germline.
Comment: This variant is a gross deletion of the genomic region encompassing exon(s) 4-5 of the TRDN gene. This variant would be expected to be in-frame, preserving the integrity of the reading frame. This variant has not been reported in the literature in individuals affected with TRDN-related conditions. Experimental studies and prediction algorithms are not available or were not evaluated, and the functional significance of this variant is currently unknown. In summary, the available evidence is currently insufficient to determine the role of this variant in disease. Therefore, it has been classified as a Variant of Uncertain Significance.